The following is an entry in ClinVar:

ClinVar aggregate classification (germline): Uncertain significance (1 of 4 stars; one submission).

gnomAD v4.1: 8 of 1,613,968 alleles (0.0005%); highest among the groups gnomAD compares: South Asian, 0.0033%; no homozygotes.

Submission:

Labcorp Genetics (formerly Invitae), Labcorp
Classification: Uncertain significance. Last evaluated: 2024-04-15. Review status: criteria provided, single submitter. Criteria: Invitae Variant Classification Sherloc (09022015). Collection method: clinical testing. Allele origin: germline.
Comment: This sequence change replaces arginine, which is basic and polar, with tryptophan, which is neutral and slightly polar, at codon 252 of the GSN protein (p.Arg252Trp). This variant is present in population databases (no rsID available, gnomAD 0.003%). This variant has not been reported in the literature in individuals affected with GSN-related conditions. Advanced modeling of protein sequence and biophysical properties (such as structural, functional, and spatial information, amino acid conservation, physicochemical variation, residue mobility, and thermodynamic stability) performed at Invitae indicates that this missense variant is expected to disrupt GSN protein function with a positive predictive value of 80%. In summary, the available evidence is currently insufficient to determine the role of this variant in disease. Therefore, it has been classified as a Variant of Uncertain Significance.

NM_198252.3(GSN):c.601C>T (p.Arg201Trp)

Gene: GSN (gelsolin; plus strand). Cytogenetic location: 9q33.2.
Variant type: single nucleotide variant.
Coding change: c.601C>T on transcript NM_198252.3 (MANE Select); coding-DNA position 601, C replaced by T.
Protein change: p.Arg201Trp; replaces arginine 201 with tryptophan.
Molecular consequence: missense variant. On other transcripts: 5 prime UTR variant (1).
Genome position (GRCh38, 1-based): chr9:121,312,426, C>T. VCF-style: chr9-121312426-C-T. GRCh37 (hg19) VCF-style: chr9-124074704-C-T.
Other names: c.634C>T, p.Arg212Trp (NM_001353067.2, NM_001353068.2, NM_001353071.2 and 13 more transcripts); c.673C>T, p.Arg225Trp (NM_001353076.2); c.-54C>T (NM_001353078.2); c.754C>T, p.Arg252Trp (NM_000177.5); c.601C>T, p.Arg201Trp (NM_001127662.2, NM_001127664.2, NM_001127665.2 and 10 more transcripts); c.709C>T, p.Arg237Trp (NM_001127663.2); c.652C>T, p.Arg218Trp (NM_001258029.2); c.625C>T, p.Arg209Trp (NM_001258030.2); short protein forms R201W, R209W, R212W, R218W, R225W, R237W, R252W.
Identifiers: ClinVar variation 3603975 (VCV003603975.2).